The following is an entry in ClinVar:

ClinVar aggregate classification (germline): Uncertain significance (1 of 4 stars; one submission).

gnomAD v4.1: 2 of 1,569,402 alleles (0.00013%); highest among the groups gnomAD compares: African/African-American, 0.0014%; no homozygotes.

Submission:

Labcorp Genetics (formerly Invitae), Labcorp
Classification: Uncertain significance. Last evaluated: 2024-09-12. Review status: criteria provided, single submitter. Criteria: Invitae Variant Classification Sherloc (09022015). Collection method: clinical testing. Allele origin: germline.
Comment: This sequence change falls in intron 7 of the PCGF2 gene. It does not directly change the encoded amino acid sequence of the PCGF2 protein. It affects a nucleotide within the consensus splice site. This variant is not present in population databases (gnomAD no frequency). This variant has not been reported in the literature in individuals affected with PCGF2-related conditions. Variants that disrupt the consensus splice site are a relatively common cause of aberrant splicing (PMID: 17576681, 9536098). Algorithms developed to predict the effect of sequence changes on RNA splicing suggest that this variant is not likely to affect RNA splicing. In summary, the available evidence is currently insufficient to determine the role of this variant in disease. Therefore, it has been classified as a Variant of Uncertain Significance.

Literature cited by the submitters: PubMed 17576681; PubMed 9536098.

NM_007144.3(PCGF2):c.426-3C>T

Gene: PCGF2 (polycomb group ring finger 2; minus strand). Cytogenetic location: 17q12.
Variant type: single nucleotide variant.
Coding change: c.426-3C>T on transcript NM_007144.3 (MANE Select); 3 bases into the intron before coding-DNA position 426, C replaced by T.
Molecular consequence: intron variant.
Genome position (GRCh38, 1-based): chr17:38,738,598, G>A on the plus strand (C>T on the coding strand, the complement: PCGF2 is on the minus strand). VCF-style: chr17-38738598-G-A. GRCh37 (hg19) VCF-style: chr17-36894851-G-A.
Other names: c.426-3C>T (NM_001369614.1, NM_001369615.1).
Identifiers: ClinVar variation 3616963 (VCV003616963.2).